The following is an entry in ClinVar:

NM_022167.4(XYLT2):c.1354G>A (p.Val452Met)

Gene: XYLT2 (xylosyltransferase 2; plus strand). Cytogenetic location: 17q21.33.
Variant type: single nucleotide variant.
Coding change: c.1354G>A on transcript NM_022167.4 (MANE Select); coding-DNA position 1354, G replaced by A.
Protein change: p.Val452Met; replaces valine 452 with methionine.
Molecular consequence: missense variant.
Genome position (GRCh38, 1-based): chr17:50,356,133, G>A. VCF-style: chr17-50356133-G-A. GRCh37 (hg19) VCF-style: chr17-48433494-G-A.
Other names: short protein forms V452M.
Identifiers: ClinVar variation 1385316 (VCV001385316.5), dbSNP rs139052712, ClinGen allele CA8646433.

ClinVar aggregate classification (germline): Uncertain significance. Review status: criteria provided, multiple submitters, no conflicts (2 of 4 stars). 3 submissions from 3 submitters: Uncertain significance (3). Last evaluated 2025-08-02.

Conditions:
Inborn genetic diseases. Identifiers: MedGen C0950123, MeSH D030342.

Allele frequency attached by ClinVar (database versions not stated): TOPMed 0.00002; gnomAD 0.00003; gnomAD exomes 0.00003; ExAC 0.00004; ESP Exome Variant Server 0.00015.
gnomAD v4.1: 48 of 1,614,100 alleles (0.003%); highest among the groups gnomAD compares: Admixed American, 0.005%; no homozygotes.

Submissions (3):

Ambry Genetics
Classification: Uncertain significance for Inborn genetic diseases. Last evaluated: 2025-08-02. Review status: criteria provided, single submitter. Criteria: Ambry Variant Classification Scheme 2023. Collection method: clinical testing. Allele origin: germline.

Blueprint Genetics
Classification: Uncertain significance. Last evaluated: 2024-11-22. Review status: criteria provided, single submitter. Criteria: ACMG Guidelines, 2015. Collection method: clinical testing. Allele origin: germline.

Labcorp Genetics (formerly Invitae), Labcorp
Classification: Uncertain significance. Last evaluated: 2021-11-22. Review status: criteria provided, single submitter. Criteria: Invitae Variant Classification Sherloc (09022015). Collection method: clinical testing. Allele origin: germline.
Comment: This sequence change replaces valine, which is neutral and non-polar, with methionine, which is neutral and non-polar, at codon 452 of the XYLT2 protein (p.Val452Met). This variant is present in population databases (rs139052712, gnomAD 0.006%). This variant has not been reported in the literature in individuals affected with XYLT2-related conditions. Algorithms developed to predict the effect of missense changes on protein structure and function are either unavailable or do not agree on the potential impact of this missense change (SIFT: "Deleterious"; PolyPhen-2: "Probably Damaging"; Align-GVGD: "Class C0"). In summary, the available evidence is currently insufficient to determine the role of this variant in disease. Therefore, it has been classified as a Variant of Uncertain Significance.